The following is an entry in ClinVar:

NM_000814.6(GABRB3):c.1219A>G (p.Met407Val)

Gene: GABRB3 (gamma-aminobutyric acid type A receptor subunit beta3; minus strand). Cytogenetic location: 15q12.
Variant type: single nucleotide variant.
Coding change: c.1219A>G on transcript NM_000814.6 (MANE Select); coding-DNA position 1219, A replaced by G.
Protein change: p.Met407Val; replaces methionine 407 with valine.
Molecular consequence: missense variant.
Genome position (GRCh38, 1-based): chr15:26,547,996, T>C on the plus strand (A>G on the coding strand, the complement: GABRB3 is on the minus strand). VCF-style: chr15-26547996-T-C. GRCh37 (hg19) VCF-style: chr15-26793143-T-C.
Other names: c.964A>G, p.Met322Val (NM_001191320.2, NM_001278631.2); c.1006A>G, p.Met336Val (NM_001191321.3); c.1219A>G, p.Met407Val (NM_021912.5); short protein forms M407V, M336V, M322V.
Identifiers: ClinVar variation 2016314 (VCV002016314.4), dbSNP rs2504114739, ClinGen allele CA391458928.

ClinVar aggregate classification (germline): Uncertain significance (1 of 4 stars; one submission).

Conditions:
Epilepsy, childhood absence, susceptibility to, 5. Identifiers: Orphanet 64280, MedGen C2677087, MONDO:0012843, OMIM 612269.
Epilepsy, childhood absence, susceptibility to, 1. Also called: Epilepsy, childhood absence 1. Identifiers: Orphanet 64280, MedGen C1838604, MONDO:0020759, OMIM 600131.

Submission:

Labcorp Genetics (formerly Invitae), Labcorp
Classification: Uncertain significance for Epilepsy, childhood absence, susceptibility to, 5; Epilepsy, childhood absence, susceptibility to, 1. Last evaluated: 2025-10-22. Review status: criteria provided, single submitter. Criteria: Invitae Variant Classification Sherloc (09022015). Collection method: clinical testing. Allele origin: germline.
Comment: This sequence change replaces methionine, which is neutral and non-polar, with valine, which is neutral and non-polar, at codon 407 of the GABRB3 protein (p.Met407Val). This variant is not present in population databases (gnomAD no frequency). This variant has not been reported in the literature in individuals affected with GABRB3-related conditions. ClinVar contains an entry for this variant (Variation ID: 2016314). Invitae Evidence Modeling of protein sequence and biophysical properties (such as structural, functional, and spatial information, amino acid conservation, physicochemical variation, residue mobility, and thermodynamic stability) indicates that this missense variant is not expected to disrupt GABRB3 protein function with a negative predictive value of 95%. In summary, the available evidence is currently insufficient to determine the role of this variant in disease. Therefore, it has been classified as a Variant of Uncertain Significance.